The following is an entry in ClinVar:

NM_000441.2(SLC26A4):c.587T>A (p.Val196Asp)

Gene: SLC26A4 (solute carrier family 26 member 4; plus strand). Cytogenetic location: 7q22.3.
Variant type: single nucleotide variant.
Coding change: c.587T>A on transcript NM_000441.2 (MANE Select); coding-DNA position 587, T replaced by A.
Protein change: p.Val196Asp; replaces valine 196 with aspartic acid.
Molecular consequence: missense variant.
Genome position (GRCh38, 1-based): chr7:107,674,335, T>A. VCF-style: chr7-107674335-T-A. GRCh37 (hg19) VCF-style: chr7-107314780-T-A.
Other names: short protein forms V196D.
Identifiers: ClinVar variation 2577287 (VCV002577287.2), dbSNP rs780123768, ClinGen allele CA368848416.
Genomic context (GRCh38, chr7:107,674,335, plus strand): 5'-TAGACACTGCAGCTAGAGATACAGCTAGAGTCCTGATTGCCAGTGCCCTGACTCTGCTGG[T>A]TGGAATTATACAGGTAATGAACTTACAAGTAAAATATAGATGGATGTAATTTTTATTTGA-3'
Protein context (NP_000432.1, residues 186-206): VLIASALTLL[Val196Asp]GIIQLIFGGL

ClinVar aggregate classification (germline): Conflicting classifications of pathogenicity. Review status: criteria provided, conflicting classifications (1 of 4 stars). 2 submissions from 2 submitters: Likely pathogenic (1); Uncertain significance (1). Last evaluated 2023-08-15.

Conditions:
Autosomal recessive nonsyndromic hearing loss 4 (DFNB4). Also called: NEUROSENSORY NONSYNDROMIC RECESSIVE DEAFNESS 4; FOXI1-Related Pendred Syndrome; KCNJ10-Related Pendred Syndrome; DEAFNESS, AUTOSOMAL RECESSIVE 4, WITH ENLARGED VESTIBULAR AQUEDUCT, DIGENIC; Nonsyndromic enlarged vestibular aqueduct (NSEVA); Deafness, autosomal recessive 4, with enlarged vestibular aqueduct. Identifiers: Orphanet 90636, MedGen C3538946, MONDO:0010933, OMIM 600791.

gnomAD v4.1: 1 of 1,612,344 alleles (0.000062%); highest among the groups gnomAD compares: South Asian, 0.0011%; no homozygotes.

Submissions (2):

Baylor Genetics
Classification: Likely pathogenic for Autosomal recessive nonsyndromic hearing loss 4. Last evaluated: 2023-08-15. Review status: criteria provided, single submitter. Criteria: ACMG Guidelines, 2015. Collection method: clinical testing. Allele origin: unknown.

Women's Health and Genetics/Laboratory Corporation of America, LabCorp
Classification: Uncertain significance. Last evaluated: 2023-07-26. Review status: criteria provided, single submitter. Criteria: LabCorp Variant Classification Summary - May 2015. Collection method: clinical testing. Allele origin: germline.
Comment: Variant summary: SLC26A4 c.587T>A (p.Val196Asp) results in a non-conservative amino acid change located in the SLC26A/SulP transporter domain of the encoded protein sequence. Four of five in-silico tools predict a damaging effect of the variant on protein function. The variant was absent in 251434 control chromosomes. c.587T>A has been reported in the literature in individuals affected with non-syndromic enlargement of vestibular aqueduct or non-syndromic hearing loss. These data indicate that the variant may be associated with disease. To our knowledge, no experimental evidence demonstrating an impact on protein function has been reported. No submitters have cited clinical-significance assessments for this variant to ClinVar after 2014. Based on the evidence outlined above, the variant was classified as VUS-possibly pathogenic.

Literature cited by the submitters: PubMed 25372295 (cited by Women's Health and Genetics/Laboratory Corporation of America, LabCorp); PubMed 26346818 (cited by Women's Health and Genetics/Laboratory Corporation of America, LabCorp).